The following is an entry in ClinVar:

NM_000222.3(KIT):c.338-5T>G

Gene: KIT (KIT proto-oncogene, receptor tyrosine kinase; plus strand). Cytogenetic location: 4q12.
Variant type: single nucleotide variant.
Coding change: c.338-5T>G on transcript NM_000222.3 (MANE Select); 5 bases into the intron before coding-DNA position 338, T replaced by G.
Molecular consequence: intron variant.
Genome position (GRCh38, 1-based): chr4:54,698,279, T>G. VCF-style: chr4-54698279-T-G. GRCh37 (hg19) VCF-style: chr4-55564445-T-G.
Other names: c.338-5T>G (NM_001385284.1, NM_001385290.1, NM_001385288.1 and 5 more transcripts).
Identifiers: ClinVar variation 1062680 (VCV001062680.11), dbSNP rs1381007585, ClinGen allele CA551651610.

ClinVar aggregate classification (germline): Conflicting classifications of pathogenicity. Review status: criteria provided, conflicting classifications (1 of 4 stars). 3 submissions from 3 submitters: Uncertain significance (1); Likely benign (1). 1 of the submissions does not count toward it. Last evaluated 2025-12-08.

Conditions:
Hereditary cancer-predisposing syndrome. Also called: Tumor predisposition; Neoplastic Syndromes, Hereditary; Hereditary neoplastic syndrome; Hereditary Cancer Syndrome. Identifiers: Orphanet 140162, MedGen C0027672, MeSH D009386, MONDO:0015356.
Gastrointestinal stromal tumor. Also called: Gastrointestinal stromal tumor, somatic; Gastrointestinal stroma tumor. Identifiers: Orphanet 44890, MedGen C0238198, MeSH D046152, MONDO:0011719, OMIM 606764, HP:0100723.
KIT-related disorder. Also called: KIT-related condition.

Allele frequency attached by ClinVar (database versions not stated): gnomAD exomes below 0.00001; TOPMed below 0.00001; gnomAD 0.00001.
gnomAD v4.1: 2 of 1,613,244 alleles (0.00012%); highest among the groups gnomAD compares: African/African-American, 0.0027%; no homozygotes.

Submissions (3):

Labcorp Genetics (formerly Invitae), Labcorp
Classification: Likely benign for Gastrointestinal stromal tumor. Last evaluated: 2025-12-08. Review status: criteria provided, single submitter. Criteria: Invitae Variant Classification Sherloc (09022015). Collection method: clinical testing. Allele origin: germline.

Ambry Genetics
Classification: Uncertain significance for Hereditary cancer-predisposing syndrome. Last evaluated: 2025-11-13. Review status: criteria provided, single submitter. Criteria: Ambry Variant Classification Scheme 2023. Collection method: clinical testing. Allele origin: germline.
Comment: The c.338-5T>G intronic variant results from a T to G substitution 5 nucleotides upstream from coding exon 3 in the KIT gene. This nucleotide position is well conserved in available vertebrate species. In silico splice site analysis predicts that this alteration will not have any significant effect on splicing. Based on the available evidence, the clinical significance of this variant remains unclear.

PreventionGenetics, part of Exact Sciences
Classification: Uncertain significance for KIT-related condition. Last evaluated: 2023-12-07. Review status: no assertion criteria provided. Collection method: clinical testing. Allele origin: germline. Not counted in ClinVar's aggregate classification.
Comment: The KIT c.338-5T>G variant is predicted to interfere with splicing. To our knowledge, this variant has not been reported in the literature. This variant is reported in 0.0063% of alleles in individuals of African descent in gnomAD. At this time, the clinical significance of this variant is uncertain due to the absence of conclusive functional and genetic evidence.